The following is an entry in ClinVar:

ClinVar aggregate classification (germline): Likely benign. Review status: criteria provided, multiple submitters, no conflicts (2 of 4 stars). 2 submissions from 2 submitters: Likely benign (2). Last evaluated 2026-02-25.

Conditions:
Spastic paraplegia. Identifiers: MedGen C0037772, HP:0001258.
SACS-related disorder. Also called: SACS-related condition.

Allele frequency attached by ClinVar (database versions not stated): gnomAD exomes below 0.00001; TOPMed 0.00003; gnomAD 0.00005.
gnomAD v4.1: 11 of 1,613,518 alleles (0.00068%); highest among the groups gnomAD compares: Admixed American, 0.01%; no homozygotes.

Submissions (2):

PreventionGenetics, part of Exact Sciences
Classification: Likely benign for SACS-related condition. Last evaluated: 2026-02-25. Review status: criteria provided, single submitter. Criteria: ACMG Guidelines, 2015. Collection method: clinical testing. Allele origin: germline.
Comment: This variant is classified as likely benign based on ACMG/AMP sequence variant interpretation guidelines (Richards et al. 2015 PMID: 25741868, with internal and published modifications).

Labcorp Genetics (formerly Invitae), Labcorp
Classification: Likely benign for Spastic paraplegia. Last evaluated: 2025-10-26. Review status: criteria provided, single submitter. Criteria: Invitae Variant Classification Sherloc (09022015). Collection method: clinical testing. Allele origin: germline.

NM_014363.6(SACS):c.7042C>T (p.Leu2348=)

Gene: SACS (sacsin molecular chaperone; minus strand). Cytogenetic location: 13q12.12.
Variant type: single nucleotide variant.
Coding change: c.7042C>T on transcript NM_014363.6 (MANE Select); coding-DNA position 7042, C replaced by T.
Protein change: p.Leu2348=; no amino-acid change (leucine 2348 retained).
Molecular consequence: synonymous variant.
Genome position (GRCh38, 1-based): chr13:23,336,834, G>A on the plus strand (C>T on the coding strand, the complement: SACS is on the minus strand). VCF-style: chr13-23336834-G-A. GRCh37 (hg19) VCF-style: chr13-23910973-G-A.
Other names: c.6601C>T, p.Leu2201= (NM_001278055.2).
Identifiers: ClinVar variation 703203 (VCV000703203.13), dbSNP rs919827837, ClinGen allele CA246657376.